The following is an entry in ClinVar:

NM_014806.5(RUSC2):c.814_815inv (p.Ser272Asp)

Gene: RUSC2 (RUN and SH3 domain containing 2; plus strand). Cytogenetic location: 9p13.3.
Variant type: Inversion.
Coding change: c.814_815inv on transcript NM_014806.5 (MANE Select).
Protein change: p.Ser272Asp; replaces serine 272 with aspartic acid.
Molecular consequence: missense variant. On other transcripts: non-coding transcript variant (1), intron variant (1).
Genome position: GRCh38 VCF-style: chr9-35547335-TC-GA. GRCh37 (hg19) VCF-style: chr9-35547332-TC-GA.
Other names: c.814_815inv, p.Ser272Asp (NM_001135999.2); c.-620-7725_-620-7724inv (NM_001330740.2); short protein forms S272D.
Identifiers: ClinVar variation 1464731 (VCV001464731.7), ClinGen allele CA2573144607.

ClinVar aggregate classification (germline): Uncertain significance (1 of 4 stars; one submission).

Submission:

Labcorp Genetics (formerly Invitae), Labcorp
Classification: Uncertain significance. Last evaluated: 2023-08-04. Review status: criteria provided, single submitter. Criteria: Invitae Variant Classification Sherloc (09022015). Collection method: clinical testing. Allele origin: germline.
Comment: This sequence change replaces serine, which is neutral and polar, with aspartic acid, which is acidic and polar, at codon 272 of the RUSC2 protein (p.Ser272Asp). Information on the frequency of this variant in the gnomAD database is not available, as this variant may be reported differently in the database. This variant has not been reported in the literature in individuals affected with RUSC2-related conditions. ClinVar contains an entry for this variant (Variation ID: 1464731). An algorithm developed to predict the effect of missense changes on protein structure and function (PolyPhen-2) suggests that this variant is likely to be disruptive. In summary, the available evidence is currently insufficient to determine the role of this variant in disease. Therefore, it has been classified as a Variant of Uncertain Significance.